The following is an entry in ClinVar:

NM_001363711.2(DUOX2):c.1461_1462inv (p.Gly488Arg)

Gene: DUOX2 (dual oxidase 2; minus strand). Cytogenetic location: 15q21.1.
Variant type: Inversion.
Coding change: c.1461_1462inv on transcript NM_001363711.2 (MANE Select).
Protein change: p.Gly488Arg; replaces glycine 488 with arginine.
Molecular consequence: missense variant.
Genome position: GRCh38 VCF-style: chr15-45108159-CC-GG. GRCh37 (hg19) VCF-style: chr15-45400357-CC-GG.
Other names: c.1461_1462inv, p.Gly488Arg (NM_014080.5); short protein forms G488R.
Identifiers: ClinVar variation 2989628 (VCV002989628.3), ClinGen allele CA2740097288.

ClinVar aggregate classification (germline): Pathogenic (1 of 4 stars; one submission).

Submission:

Labcorp Genetics (formerly Invitae), Labcorp
Classification: Pathogenic. Last evaluated: 2022-11-02. Review status: criteria provided, single submitter. Criteria: Invitae Variant Classification Sherloc (09022015). Collection method: clinical testing. Allele origin: germline.
Comment: For these reasons, this variant has been classified as Pathogenic. Experimental studies have shown that this missense change affects DUOX2 function (PMID: 21900383, 25248169). Algorithms developed to predict the effect of variants on protein structure and function are not available or were not evaluated for this variant. This missense change has been observed in individual(s) with congenital hypothyroidism (PMID: 21900383, 23457309, 25248169). In at least one individual the data is consistent with being in trans (on the opposite chromosome) from a pathogenic variant. It has also been observed to segregate with disease in related individuals. Information on the frequency of this variant in the gnomAD database is not available, as this variant may be reported differently in the database. This sequence change replaces glycine, which is neutral and non-polar, with arginine, which is basic and polar, at codon 488 of the DUOX2 protein (p.Gly488Arg).

Literature cited by the submitters: PubMed 21900383; PubMed 25248169; PubMed 23457309.